The following is an entry in ClinVar:

ClinVar aggregate classification (germline): Uncertain significance (1 of 4 stars; one submission).

Conditions:
Hereditary cancer-predisposing syndrome. Also called: Hereditary Cancer Syndrome; Neoplastic Syndromes, Hereditary; Tumor predisposition; Hereditary neoplastic syndrome. Identifiers: Orphanet 140162, MedGen C0027672, MeSH D009386, MONDO:0015356.

Submission:

Ambry Genetics
Classification: Uncertain significance for Hereditary cancer-predisposing syndrome. Last evaluated: 2026-07-10. Review status: criteria provided, single submitter. Criteria: Ambry Variant Classification Scheme 2023. Collection method: clinical testing. Allele origin: germline.
Comment: The p.E317Q variant (also known as c.949G>C), located in coding exon 8 of the EGFR gene, results from a G to C substitution at nucleotide position 949. The glutamic acid at codon 317 is replaced by glutamine, an amino acid with highly similar properties. This amino acid position is highly conserved in available vertebrate species. In addition, this alteration is predicted to be deleterious by in silico analysis. Based on the available evidence, the clinical significance of this variant remains unclear.

NM_005228.5(EGFR):c.949G>C (p.Glu317Gln)

Gene: EGFR (epidermal growth factor receptor; plus strand). Cytogenetic location: 7p11.2.
Variant type: single nucleotide variant.
Coding change: c.949G>C on transcript NM_005228.5 (MANE Select); coding-DNA position 949, G replaced by C.
Protein change: p.Glu317Gln; replaces glutamic acid 317 with glutamine.
Molecular consequence: missense variant.
Genome position (GRCh38, 1-based): chr7:55,155,889, G>C. VCF-style: chr7-55155889-G-C. GRCh37 (hg19) VCF-style: chr7-55223582-G-C.
Other names: c.814G>C, p.Glu272Gln (NM_001346897.2, NM_001346899.2); c.949G>C, p.Glu317Gln (NM_001346898.2, NM_201282.2, NM_201283.2 and 1 more transcripts); c.790G>C, p.Glu264Gln (NM_001346900.2); c.148G>C, p.Glu50Gln (NM_001346941.2); short protein forms E272Q, E50Q, E264Q, E317Q.
Identifiers: ClinVar variation 5035790 (VCV005035790.1).